The following is an entry in ClinVar:

ClinVar aggregate classification (germline): Uncertain significance. Review status: criteria provided, multiple submitters, no conflicts (2 of 4 stars). 3 submissions from 3 submitters: Uncertain significance (2). 1 of the submissions does not count toward it. Last evaluated 2024-06-12.

Conditions:
Ulnar-mammary syndrome (UMS). Also called: PALLISTER ULNAR-MAMMARY SYNDROME; SCHINZEL SYNDROME; Ulnar-mammary syndrome of Pallister. Identifiers: Orphanet 3138, MedGen C1866994, MONDO:0008411, OMIM 181450.
TBX3-related disorder. Also called: TBX3-related condition.
Inborn genetic diseases. Identifiers: MedGen C0950123, MeSH D030342.

Allele frequency attached by ClinVar (database versions not stated): TOPMed 0.00002; gnomAD 0.00003; gnomAD exomes 0.00005; ExAC 0.00010.
gnomAD v4.1: 69 of 1,570,588 alleles (0.0044%); highest among the groups gnomAD compares: Non-Finnish European, 0.006%; no homozygotes.

Submissions (3):

Labcorp Genetics (formerly Invitae), Labcorp
Classification: Uncertain significance for Ulnar-mammary syndrome. Last evaluated: 2024-06-12. Review status: criteria provided, single submitter. Criteria: Invitae Variant Classification Sherloc (09022015). Collection method: clinical testing. Allele origin: germline.
Comment: This sequence change replaces histidine, which is basic and polar, with arginine, which is basic and polar, at codon 604 of the TBX3 protein (p.His604Arg). This variant is present in population databases (rs759202204, gnomAD 0.003%). This variant has not been reported in the literature in individuals affected with TBX3-related conditions. An algorithm developed to predict the effect of missense changes on protein structure and function (PolyPhen-2) suggests that this variant is likely to be disruptive. In summary, the available evidence is currently insufficient to determine the role of this variant in disease. Therefore, it has been classified as a Variant of Uncertain Significance.

Ambry Genetics
Classification: Uncertain significance for Inborn genetic diseases. Last evaluated: 2023-09-29. Review status: criteria provided, single submitter. Criteria: Ambry Variant Classification Scheme 2023. Collection method: clinical testing. Allele origin: germline.

PreventionGenetics, part of Exact Sciences
Classification: Benign for TBX3-related condition. Last evaluated: 2024-06-05. Review status: no assertion criteria provided. Collection method: clinical testing. Allele origin: germline. Not counted in ClinVar's aggregate classification.
Comment: This variant is classified as benign based on ACMG/AMP sequence variant interpretation guidelines (Richards et al. 2015 PMID: 25741868, with internal and published modifications).

NM_005996.4(TBX3):c.1811A>G (p.His604Arg)

Gene: TBX3 (T-box transcription factor 3; minus strand). Cytogenetic location: 12q24.21.
Variant type: single nucleotide variant.
Coding change: c.1811A>G on transcript NM_005996.4 (MANE Select); coding-DNA position 1811, A replaced by G.
Protein change: p.His604Arg; replaces histidine 604 with arginine.
Molecular consequence: missense variant.
Genome position (GRCh38, 1-based): chr12:114,672,202, T>C on the plus strand (A>G on the coding strand, the complement: TBX3 is on the minus strand). VCF-style: chr12-114672202-T-C. GRCh37 (hg19) VCF-style: chr12-115110007-T-C.
Other names: c.1871A>G, p.His624Arg (NM_016569.4); c.1811A>G (NM_005996.3); c.1871A>G (NM_016569.3); short protein forms H624R, H604R.
Identifiers: ClinVar variation 2740799 (VCV002740799.5), dbSNP rs759202204, ClinGen allele CA6809842.